The following is an entry in ClinVar:

NM_000059.4(BRCA2):c.2105T>C (p.Ile702Thr)

Gene: BRCA2 (BRCA2 DNA repair associated; plus strand). Cytogenetic location: 13q13.1.
Variant type: single nucleotide variant.
Coding change: c.2105T>C on transcript NM_000059.4 (MANE Select); coding-DNA position 2105, T replaced by C.
Protein change: p.Ile702Thr; replaces isoleucine 702 with threonine.
Molecular consequence: missense variant. On other transcripts: non-coding transcript variant (1), intron variant (2).
Genome position (GRCh38, 1-based): chr13:32,336,460, T>C. VCF-style: chr13-32336460-T-C. GRCh37 (hg19) VCF-style: chr13-32910597-T-C.
Other names: c.2105T>C, p.Ile702Thr (NM_001406719.1, NM_001406720.1); c.1909+3073T>C (NM_001406721.1); c.424+5430T>C (NM_001406722.1); short protein forms I702T.
Identifiers: ClinVar variation 2769236 (VCV002769236.3), dbSNP rs2548523188, ClinGen allele CA387769937.

ClinVar aggregate classification (germline): Uncertain significance (1 of 4 stars; one submission).

Conditions:
Hereditary breast ovarian cancer syndrome. Also called: Hereditary breast and ovarian cancer syndrome; Hereditary breast and ovarian cancer syndrome (HBOC); BRCA1- and BRCA2-Associated Hereditary Breast and Ovarian Cancer; Hereditary breast and ovarian cancer; Breast and ovarian cancer; Hereditary breast and/or ovarian cancer syndrome. Identifiers: Orphanet 145, MedGen C0677776, MeSH D061325, MONDO:0003582. Disease mechanism: loss of function.

Submission:

Labcorp Genetics (formerly Invitae), Labcorp
Classification: Uncertain significance for Hereditary breast ovarian cancer syndrome. Last evaluated: 2023-10-17. Review status: criteria provided, single submitter. Criteria: Invitae Variant Classification Sherloc (09022015). Collection method: clinical testing. Allele origin: germline.
Comment: This sequence change replaces isoleucine, which is neutral and non-polar, with threonine, which is neutral and polar, at codon 702 of the BRCA2 protein (p.Ile702Thr). This variant is not present in population databases (gnomAD no frequency). This variant has not been reported in the literature in individuals affected with BRCA2-related conditions. Advanced modeling of protein sequence and biophysical properties (such as structural, functional, and spatial information, amino acid conservation, physicochemical variation, residue mobility, and thermodynamic stability) performed at Invitae indicates that this missense variant is not expected to disrupt BRCA2 protein function. In summary, the available evidence is currently insufficient to determine the role of this variant in disease. Therefore, it has been classified as a Variant of Uncertain Significance.